The following is an entry in ClinVar:

NM_001278293.3(ARL6):c.168G>T (p.Glu56Asp)

Gene: ARL6 (ARF like GTPase 6; plus strand). Cytogenetic location: 3q11.2.
Variant type: single nucleotide variant.
Coding change: c.168G>T on transcript NM_001278293.3 (MANE Select); coding-DNA position 168, G replaced by T.
Protein change: p.Glu56Asp; replaces glutamic acid 56 with aspartic acid.
Molecular consequence: missense variant. On other transcripts: non-coding transcript variant (7).
Genome position (GRCh38, 1-based): chr3:97,780,203, G>T. VCF-style: chr3-97780203-G-T. GRCh37 (hg19) VCF-style: chr3-97499047-G-T.
Other names: c.168G>T, p.Glu56Asp (NM_001323513.2, NM_001323514.2, NM_032146.5 and 1 more transcripts); short protein forms E56D.
Identifiers: ClinVar variation 4992693 (VCV004992693.1).

ClinVar aggregate classification (germline): Uncertain significance (1 of 4 stars; one submission).

Conditions:
ARL6-related disorder. Also called: ARL6-related condition.

Submission:

PreventionGenetics, part of Exact Sciences
Classification: Uncertain significance for ARL6-related condition. Last evaluated: 2025-11-04. Review status: criteria provided, single submitter. Criteria: ACMG Guidelines, 2015. Collection method: clinical testing. Allele origin: germline.
Comment: The ARL6 c.168G>T variant is predicted to result in the amino acid substitution p.Glu56Asp. To our knowledge, this variant has not been reported in the literature. This variant is reported in 0.011% of alleles in individuals of African descent in gnomAD. At this time, the clinical significance of this variant is uncertain due to the absence of conclusive functional and genetic evidence.